The following is an entry in ClinVar:

NM_015103.3(PLXND1):c.2196C>T (p.Ser732=)

Gene: PLXND1 (plexin D1; minus strand). Cytogenetic location: 3q22.1.
Variant type: single nucleotide variant.
Coding change: c.2196C>T on transcript NM_015103.3 (MANE Select); coding-DNA position 2196, C replaced by T.
Protein change: p.Ser732=; no amino-acid change (serine 732 retained).
Molecular consequence: synonymous variant.
Genome position (GRCh38, 1-based): chr3:129,583,612, G>A on the plus strand (C>T on the coding strand, the complement: PLXND1 is on the minus strand). VCF-style: chr3-129583612-G-A. GRCh37 (hg19) VCF-style: chr3-129302455-G-A.
Identifiers: ClinVar variation 3055313 (VCV003055313.2), dbSNP rs2285370, ClinGen allele CA2609120.

ClinVar aggregate classification (germline): Benign (0 of 4 stars; one submission).

Conditions:
PLXND1-related disorder. Also called: PLXND1-related condition.

Allele frequency attached by ClinVar (database versions not stated): gnomAD exomes 0.03749; ESP Exome Variant Server 0.04736; gnomAD 0.05162; TOPMed 0.05267; ExAC 0.05298; 1000 Genomes Project 30x 0.07464; 1000 Genomes Project 0.07608.
gnomAD v4.1: 63,488 of 1,613,718 alleles (3.9%); highest among the groups gnomAD compares: East Asian, 12%; 1,900 homozygotes.

Submission:

PreventionGenetics, part of Exact Sciences
Classification: Benign for PLXND1-related condition. Last evaluated: 2019-09-24. Review status: no assertion criteria provided. Collection method: clinical testing. Allele origin: germline.
Comment: This variant is classified as benign based on ACMG/AMP sequence variant interpretation guidelines (Richards et al. 2015 PMID: 25741868, with internal and published modifications).